The following is an entry in ClinVar:

ClinVar aggregate classification (germline): Benign/Likely benign. Review status: criteria provided, multiple submitters, no conflicts (2 of 4 stars). 4 submissions from 4 submitters: Benign (1); Likely benign (2). 1 of the submissions does not count toward it. Last evaluated 2026-01-09.

Conditions:
Donnai-Barrow syndrome. Also called: DBS/FOAR SYNDROME; FACIOOCULOACOUSTICORENAL SYNDROME. Identifiers: Orphanet 2143, MedGen C1857277, MONDO:0009104, OMIM 222448.
LRP2-related disorder. Also called: LRP2-related condition.

Allele frequency attached by ClinVar (database versions not stated): gnomAD exomes 0.00002 and 0.00009; ExAC 0.00009; gnomAD 0.00023 and 0.00027; TOPMed 0.00029; ESP Exome Variant Server 0.00031.
gnomAD v4.1: 72 of 1,613,794 alleles (0.0045%); highest among the groups gnomAD compares: African/African-American, 0.08%; 1 homozygote.

Submissions (4):

Labcorp Genetics (formerly Invitae), Labcorp
Classification: Benign. Last evaluated: 2026-01-09. Review status: criteria provided, single submitter. Criteria: Invitae Variant Classification Sherloc (09022015). Collection method: clinical testing. Allele origin: germline.

Blueprint Genetics
Classification: Likely benign. Last evaluated: 2022-11-18. Review status: criteria provided, single submitter. Criteria: ACMG Guidelines, 2015. Collection method: clinical testing. Allele origin: germline.

Fulgent Genetics
Classification: Likely benign for Donnai-Barrow syndrome. Last evaluated: 2021-10-16. Review status: criteria provided, single submitter. Criteria: ACMG Guidelines, 2015. Collection method: clinical testing. Allele origin: unknown.

PreventionGenetics, part of Exact Sciences
Classification: Likely benign for LRP2-related condition. Last evaluated: 2019-11-26. Review status: no assertion criteria provided. Collection method: clinical testing. Allele origin: germline. Not counted in ClinVar's aggregate classification.
Comment: This variant is classified as likely benign based on ACMG/AMP sequence variant interpretation guidelines (Richards et al. 2015 PMID: 25741868, with internal and published modifications).

NM_004525.3(LRP2):c.8505T>C (p.Cys2835=)

Gene: LRP2 (LDL receptor related protein 2; minus strand). Cytogenetic location: 2q31.1.
Variant type: single nucleotide variant.
Coding change: c.8505T>C on transcript NM_004525.3 (MANE Select); coding-DNA position 8505, T replaced by C.
Protein change: p.Cys2835=; no amino-acid change (cysteine 2835 retained).
Molecular consequence: synonymous variant.
Genome position (GRCh38, 1-based): chr2:169,198,859, A>G on the plus strand (T>C on the coding strand, the complement: LRP2 is on the minus strand). VCF-style: chr2-169198859-A-G. GRCh37 (hg19) VCF-style: chr2-170055369-A-G.
Other names: c.8505T>C (NM_004525.2).
Identifiers: ClinVar variation 1597081 (VCV001597081.12), dbSNP rs140925226, ClinGen allele CA1953839.
Genomic context (GRCh38, chr2:169,198,859, plus strand): 5'-GTTTTCATCACTGTTATCTCCACAGTCATTGTCTCCGTCACACAAATAAACGCGAGGAAT[A>G]CAAATATTTGAATTATGACATTTTGTGTATCCAGACTGGCAAGTGCGATCAGCTTGAAAA-3'
Protein context (NP_004516.2, residues 2825-2845): GYTKCHNSNI[Cys2835=]IPRVYLCDGD